The following is an entry in ClinVar:

ClinVar aggregate classification (germline): Uncertain significance (1 of 4 stars; one submission).

Submission:

Labcorp Genetics (formerly Invitae), Labcorp
Classification: Uncertain significance. Last evaluated: 2024-05-24. Review status: criteria provided, single submitter. Criteria: Invitae Variant Classification Sherloc (09022015). Collection method: clinical testing. Allele origin: germline.
Comment: This variant, c.548_550del, results in the deletion of 1 amino acid(s) of the MRPL12 protein (p.Lys183del), but otherwise preserves the integrity of the reading frame. This variant is not present in population databases (gnomAD no frequency). This variant has not been reported in the literature in individuals affected with MRPL12-related conditions. Experimental studies and prediction algorithms are not available or were not evaluated, and the functional significance of this variant is currently unknown. In summary, the available evidence is currently insufficient to determine the role of this variant in disease. Therefore, it has been classified as a Variant of Uncertain Significance.

NM_002949.4(MRPL12):c.545AGA[1] (p.Lys183del)

Gene: MRPL12 (mitochondrial ribosomal protein L12; plus strand). Cytogenetic location: 17q25.3.
Variant type: Microsatellite.
Coding change: c.545AGA[1] on transcript NM_002949.4 (MANE Select); one copy of the 3-base unit AGA starting at c.545; the reference has two copies in a row; one copy, 3 bases deleted.
Protein change: p.Lys183del; deletes lysine 183.
Genome position (GRCh38, 1-based): chr17:81,707,191-81,707,193, AGA deleted; deleting any 3 consecutive bases within chr17:81,707,188-81,707,193 gives the same sequence; the position shown is the placement nearest the transcript's 3' end. VCF-style (leftmost placement, unchanged base first): chr17-81707187-GAGA-G. GRCh37 (hg19) VCF-style: chr17-79674217-GAGA-G.
Other names: short protein forms K183del.
Identifiers: ClinVar variation 3654508 (VCV003654508.2).